The following is an entry in ClinVar:

NM_000038.6(APC):c.6712A>C (p.Asn2238His)

Gene: APC (APC regulator of Wnt signaling pathway; plus strand). Cytogenetic location: 5q22.2.
Variant type: single nucleotide variant.
Coding change: c.6712A>C on transcript NM_000038.6 (MANE Select); coding-DNA position 6712, A replaced by C.
Protein change: p.Asn2238His; replaces asparagine 2238 with histidine.
Molecular consequence: missense variant. On other transcripts: non-coding transcript variant (2).
Genome position (GRCh38, 1-based): chr5:112,842,306, A>C. VCF-style: chr5-112842306-A-C. GRCh37 (hg19) VCF-style: chr5-112178003-A-C.
Other names: c.6712A>C, p.Asn2238His (NM_001127510.3, NM_001354895.2, NM_001407450.1); c.6658A>C, p.Asn2220His (NM_001127511.3); c.6766A>C, p.Asn2256His (NM_001354896.2, NM_001407447.1, NM_001407448.1 and 1 more transcripts); c.6742A>C, p.Asn2248His (NM_001354897.2); c.6637A>C, p.Asn2213His (NM_001354898.2); c.6628A>C, p.Asn2210His (NM_001354899.2); c.6589A>C, p.Asn2197His (NM_001354900.2); c.6535A>C, p.Asn2179His (NM_001354901.2, NM_001407453.1); and 11 more; short protein forms N1955H, N2078H, N2137H, N2197H, N2210H, N2231H, N2147H, N2155H.
Identifiers: ClinVar variation 3635506 (VCV003635506.2).
Genomic context (GRCh38, chr5:112,842,306, plus strand): 5'-CAAGCAAACATGCCTTCAATCTCTCGAGGCAGGACAATGATTCATATTCCAGGAGTTCGA[A>C]ATAGCTCCTCAAGTACAAGTCCTGTTTCTAAAAAAGGCCCACCCCTTAAGACTCCAGCCT-3'
Protein context (NP_000029.2, residues 2228-2248): RTMIHIPGVR[Asn2238His]SSSSTSPVSK

ClinVar aggregate classification (germline): Uncertain significance (1 of 4 stars; one submission).

Conditions:
Familial adenomatous polyposis 1 (FAP1). Also called: FAMILIAL ADENOMATOUS POLYPOSIS 1, ATTENUATED; POLYPOSIS, ADENOMATOUS INTESTINAL. Identifiers: MedGen C2713442, MONDO:0021056, OMIM 175100. Disease mechanism: loss of function.

Submission:

Labcorp Genetics (formerly Invitae), Labcorp
Classification: Uncertain significance for Familial adenomatous polyposis 1. Last evaluated: 2024-11-09. Review status: criteria provided, single submitter. Criteria: Invitae Variant Classification Sherloc (09022015). Collection method: clinical testing. Allele origin: germline.
Comment: This sequence change replaces asparagine, which is neutral and polar, with histidine, which is basic and polar, at codon 2238 of the APC protein (p.Asn2238His). This variant is not present in population databases (gnomAD no frequency). This variant has not been reported in the literature in individuals affected with APC-related conditions. Invitae Evidence Modeling of protein sequence and biophysical properties (such as structural, functional, and spatial information, amino acid conservation, physicochemical variation, residue mobility, and thermodynamic stability) indicates that this missense variant is not expected to disrupt APC protein function with a negative predictive value of 95%. In summary, the available evidence is currently insufficient to determine the role of this variant in disease. Therefore, it has been classified as a Variant of Uncertain Significance.